The following is an entry in ClinVar:

NM_001267550.2(TTN):c.85763A>C (p.Glu28588Ala)

Genes: TTN (titin; minus strand), TTN-AS1 (TTN antisense RNA 1; plus strand). Cytogenetic location: 2q31.2.
Variant type: single nucleotide variant.
Coding change: c.85763A>C on transcript NM_001267550.2 (MANE Select); coding-DNA position 85763, A replaced by C.
Protein change: p.Glu28588Ala; replaces glutamic acid 28588 with alanine.
Molecular consequence: missense variant.
Genome position (GRCh38, 1-based): chr2:178,560,369, T>G on the plus strand (A>C on the coding strand, the complement: TTN is on the minus strand). VCF-style: chr2-178560369-T-G. GRCh37 (hg19) VCF-style: chr2-179425096-T-G.
Other names: c.80840A>C, p.Glu26947Ala (NM_001256850.1); c.58568A>C, p.Glu19523Ala (NM_003319.4); c.78059A>C, p.Glu26020Ala (NM_133378.4); c.58943A>C, p.Glu19648Ala (NM_133432.3); c.59144A>C, p.Glu19715Ala (NM_133437.4); short protein forms E19523A, E19715A, E26020A, E28588A, E19648A, E26947A.
Identifiers: ClinVar variation 4983368 (VCV004983368.1).
Genomic context (GRCh38, chr2:178,560,369, plus strand): 5'-AGATCATAAACTGGTTTTTTGTTTACACGCACCCATCTTAGGCTATTTTTCTCTCGCCTT[T>G]CAATTATATATCCAGATATTTCACTACCTCCATCACTCTCGGGTCTTGACCAGCAAAGTG-3'
Protein context (NP_001254479.2, residues 28578-28598): GGSEISGYII[Glu28588Ala]RREKNSLRWV

ClinVar aggregate classification (germline): Uncertain significance (1 of 4 stars; one submission).

Conditions:
TTN-related disorder. Also called: TTN-related disorders; TTN-related condition; TTN-related disease.

Submission:

PreventionGenetics, part of Exact Sciences
Classification: Uncertain significance for TTN-related condition. Last evaluated: 2026-09-23. Review status: criteria provided, single submitter. Criteria: ACMG Guidelines, 2015. Collection method: clinical testing. Allele origin: germline.
Comment: The TTN c.85763A>C variant is predicted to result in the amino acid substitution p.Glu28588Ala. To our knowledge, this variant has not been reported in the literature or in a large population database (gnomAD), indicating this variant is rare. At this time, the clinical significance of this variant is uncertain due to the absence of conclusive functional and genetic evidence.